The following is an entry in ClinVar:

NM_025074.7(FRAS1):c.539G>A (p.Cys180Tyr)

Gene: FRAS1 (Fraser extracellular matrix complex subunit 1; plus strand). Cytogenetic location: 4q21.21.
Variant type: single nucleotide variant.
Coding change: c.539G>A on transcript NM_025074.7 (MANE Select); coding-DNA position 539, G replaced by A.
Protein change: p.Cys180Tyr; replaces cysteine 180 with tyrosine.
Molecular consequence: missense variant.
Genome position (GRCh38, 1-based): chr4:78,255,311, G>A. VCF-style: chr4-78255311-G-A. GRCh37 (hg19) VCF-style: chr4-79176465-G-A.
Other names: c.539G>A (NM_025074.6); c.539G>A, p.Cys180Tyr (NM_001166133.2); short protein forms C180Y.
Identifiers: ClinVar variation 1998510 (VCV001998510.3), dbSNP rs369223866, ClinGen allele CA2975984.
Genomic context (GRCh38, chr4:78,255,311, plus strand): 5'-CCTATGAAGGCCATGTGTTTCAGGATGGGGAGGACTGGCGGCTGAGCCGGTGTGCCAAAT[G>A]TCTGTGTAGAAATGGGGTTGCCCAGTGCTTCACAGCTCAGTGTCAGCCTCTATTTTGTAA-3'
Protein context (NP_079350.5, residues 170-190): EDWRLSRCAK[Cys180Tyr]LCRNGVAQCF

ClinVar aggregate classification (germline): Uncertain significance. Review status: criteria provided, multiple submitters, no conflicts (2 of 4 stars). 3 submissions from 3 submitters: Uncertain significance (3). Last evaluated 2024-06-03.

Conditions:
FRAS1-related disorder. Also called: FRAS1-related condition.
Fraser syndrome 1 (FRASRS1). Also called: CRYPTOPHTHALMOS WITH OTHER MALFORMATIONS. Identifiers: Orphanet 2052, MedGen C4551480, MONDO:0054737, OMIM 219000.

Allele frequency attached by ClinVar (database versions not stated): gnomAD 0.00002; TOPMed 0.00003; ExAC 0.00004; gnomAD exomes 0.00004; ESP Exome Variant Server 0.00008.
gnomAD v4.1: 62 of 1,570,246 alleles (0.0039%); highest among the groups gnomAD compares: Admixed American, 0.015%; no homozygotes.

Submissions (3):

Fulgent Genetics
Classification: Uncertain significance for Fraser syndrome 1. Last evaluated: 2024-06-03. Review status: criteria provided, single submitter. Criteria: ACMG Guidelines, 2015. Collection method: clinical testing. Allele origin: germline.

PreventionGenetics, part of Exact Sciences
Classification: Uncertain significance for FRAS1-related condition. Last evaluated: 2023-08-07. Review status: criteria provided, single submitter. Criteria: ACMG Guidelines, 2015. Collection method: clinical testing. Allele origin: germline.
Comment: The FRAS1 c.539G>A variant is predicted to result in the amino acid substitution p.Cys180Tyr. To our knowledge, this variant has not been reported in the literature. This variant is reported in 0.022% of alleles in individuals of Latino descent in gnomAD. At this time, the clinical significance of this variant is uncertain due to the absence of conclusive functional and genetic evidence.

Labcorp Genetics (formerly Invitae), Labcorp
Classification: Uncertain significance. Last evaluated: 2021-12-23. Review status: criteria provided, single submitter. Criteria: Invitae Variant Classification Sherloc (09022015). Collection method: clinical testing. Allele origin: germline.
Comment: This sequence change replaces cysteine, which is neutral and slightly polar, with tyrosine, which is neutral and polar, at codon 180 of the FRAS1 protein (p.Cys180Tyr). This variant is present in population databases (rs369223866, gnomAD 0.02%). This variant has not been reported in the literature in individuals affected with FRAS1-related conditions. Algorithms developed to predict the effect of missense changes on protein structure and function are either unavailable or do not agree on the potential impact of this missense change (SIFT: "Deleterious"; PolyPhen-2: "Benign"; Align-GVGD: "Class C0"). In summary, the available evidence is currently insufficient to determine the role of this variant in disease. Therefore, it has been classified as a Variant of Uncertain Significance.